The following is an entry in ClinVar:

NC_000009.11:g.(?_102988324)_(103062956_?)dup

Gene: INVS (inversin; plus strand). Cytogenetic location: 9q31.1.
Variant type: Duplication.
Identifiers: ClinVar variation 2425952 (VCV002425952.4).

ClinVar aggregate classification (germline): Uncertain significance (1 of 4 stars; one submission).

Conditions:
Nephronophthisis. Also called: Juvenile Nephronophthisis. Identifiers: Orphanet 655, MedGen C0687120, MONDO:0019005, HP:0000090.

Submission:

Labcorp Genetics (formerly Invitae), Labcorp
Classification: Uncertain significance for Nephronophthisis. Last evaluated: 2022-02-06. Review status: criteria provided, single submitter. Criteria: Invitae Variant Classification Sherloc (09022015). Collection method: clinical testing. Allele origin: germline.
Comment: In summary, the available evidence is currently insufficient to determine the role of this variant in disease. Therefore, it has been classified as a Variant of Uncertain Significance. Experimental studies and prediction algorithms are not available or were not evaluated, and the functional significance of this variant is currently unknown. This variant has not been reported in the literature in individuals affected with INVS-related conditions. This variant results in a copy number gain of the genomic region encompassing exon(s) 4-17 of the INVS gene. This region includes the termination codon of the gene. This copy number gain extends beyond the assayed region for this gene and therefore may encompass additional genes. As the precise location of this event is unknown, it may be in tandem or it may be located elsewhere in the genome.